The following is an entry in ClinVar:

NM_020779.4(WDR35):c.3195C>T (p.Cys1065=)

Gene: WDR35 (WD repeat domain 35; minus strand). Cytogenetic location: 2p24.1.
Variant type: single nucleotide variant.
Coding change: c.3195C>T on transcript NM_020779.4 (MANE Select); coding-DNA position 3195, C replaced by T.
Protein change: p.Cys1065=; no amino-acid change (cysteine 1065 retained).
Molecular consequence: synonymous variant.
Genome position (GRCh38, 1-based): chr2:19,914,204, G>A on the plus strand (C>T on the coding strand, the complement: WDR35 is on the minus strand). VCF-style: chr2-19914204-G-A. GRCh37 (hg19) VCF-style: chr2-20113965-G-A.
Other names: c.3228C>T, p.Cys1076= (NM_001006657.2).
Identifiers: ClinVar variation 736106 (VCV000736106.10), dbSNP rs375805945, ClinGen allele CA1542721.

ClinVar aggregate classification (germline): Likely benign. Review status: criteria provided, single submitter (1 of 4 stars). 2 submissions from 2 submitters: Likely benign (1). 1 of the submissions does not count toward it. Last evaluated 2025-11-02.

Conditions:
Short-rib thoracic dysplasia 7 with or without polydactyly (SRTD7). Also called: Short rib polydactyly syndrome 5; SHORT-RIB THORACIC DYSPLASIA 7 WITH POLYDACTYLY. Identifiers: Orphanet 498497, Orphanet 93271, MedGen C3279792, MONDO:0013569, OMIM 614091.
Cranioectodermal dysplasia 2 (CED2). Identifiers: Orphanet 1515, MedGen C3150874, MONDO:0013323, OMIM 613610.
WDR35-related disorder. Also called: WDR35-related disorders; WDR35-related condition. Identifiers: MedGen CN239419.

Allele frequency attached by ClinVar (database versions not stated): gnomAD 0.00001; TOPMed 0.00001; ExAC 0.00002; gnomAD exomes 0.00002 and 0.00003; ESP Exome Variant Server 0.00008.
gnomAD v4.1: 35 of 1,614,052 alleles (0.0022%); highest among the groups gnomAD compares: South Asian, 0.0099%; no homozygotes.

Submissions (2):

Labcorp Genetics (formerly Invitae), Labcorp
Classification: Likely benign for Cranioectodermal dysplasia 2; Short-rib thoracic dysplasia 7 with or without polydactyly. Last evaluated: 2025-11-02. Review status: criteria provided, single submitter. Criteria: Invitae Variant Classification Sherloc (09022015). Collection method: clinical testing. Allele origin: germline.

PreventionGenetics, part of Exact Sciences
Classification: Likely benign for WDR35-related condition. Last evaluated: 2019-03-27. Review status: no assertion criteria provided. Collection method: clinical testing. Allele origin: germline. Not counted in ClinVar's aggregate classification.
Comment: This variant is classified as likely benign based on ACMG/AMP sequence variant interpretation guidelines (Richards et al. 2015 PMID: 25741868, with internal and published modifications).